The following is an entry in ClinVar:

NM_000540.3(RYR1):c.5315G>C (p.Arg1772Thr)

Gene: RYR1 (ryanodine receptor 1; plus strand). Cytogenetic location: 19q13.2.
Variant type: single nucleotide variant.
Coding change: c.5315G>C on transcript NM_000540.3 (MANE Select); coding-DNA position 5315, G replaced by C.
Protein change: p.Arg1772Thr; replaces arginine 1772 with threonine.
Molecular consequence: missense variant.
Genome position (GRCh38, 1-based): chr19:38,485,970, G>C. VCF-style: chr19-38485970-G-C. GRCh37 (hg19) VCF-style: chr19-38976610-G-C.
Other names: c.5315G>C, p.Arg1772Thr (NM_001042723.2); short protein forms R1772T.
Identifiers: ClinVar variation 1017985 (VCV001017985.8), dbSNP rs1568484843, ClinGen allele CA405654631.

ClinVar aggregate classification (germline): Uncertain significance. Review status: criteria provided, multiple submitters, no conflicts (2 of 4 stars). 2 submissions from 2 submitters: Uncertain significance (2). Last evaluated 2024-04-25.

Conditions:
RYR1-related disorder. Also called: RYR1-related disorders; RYR1-related condition. Identifiers: MedGen CN239331.
Malignant hyperthermia, susceptibility to, 1 (MHS1). Also called: Malignant hyperthermia suceptibility 1; RYR1-Related Malignant Hyperthermia Susceptibility; Anesthesia related hyperthermia; Malignant hyperpyrexia; Fulminating hyperpyrexia; Pharmacogenic myopathy. Identifiers: Orphanet 423, MedGen C2930980, MONDO:0007783, OMIM 145600.

Allele frequency attached by ClinVar (database versions not stated): gnomAD exomes below 0.00001.
gnomAD v4.1: 2 of 1,613,680 alleles (0.00012%); highest among the groups gnomAD compares: Non-Finnish European, 0.00017%; no homozygotes.

Submissions (2):

All of Us Research Program, National Institutes of Health
Classification: Uncertain significance for Malignant hyperthermia, susceptibility to, 1. Last evaluated: 2024-04-25. Review status: criteria provided, single submitter. Criteria: ACMG Guidelines, 2015. Collection method: clinical testing. Allele origin: germline. Inheritance: Autosomal dominant inheritance. Observed: 1 variant allele, 1 heterozygote.
Comment: This missense variant replaces arginine with threonine at codon 1772 of the RYR1 protein. Computational prediction suggests that this variant may not impact protein structure and function. To our knowledge, functional studies have not been reported for this variant. This variant has not been reported in individuals affected with malignant hyperthermia susceptibility in the literature. This variant has been identified in 1/245144 chromosomes in the general population by the Genome Aggregation Database (gnomAD). The available evidence is insufficient to determine the role of this variant in disease conclusively. Therefore, this variant is classified as a Variant of Uncertain Significance.

This study involves interpretation of variants in research participants for the purpose of population health screening. Participant phenotype was not available at the time of variant classification. Additional details can be found in publication PMID: 35346344, PMCID: PMC8962531

Labcorp Genetics (formerly Invitae), Labcorp
Classification: Uncertain significance for RYR1-related disorder. Last evaluated: 2018-07-10. Review status: criteria provided, single submitter. Criteria: Invitae Variant Classification Sherloc (09022015). Collection method: clinical testing. Allele origin: germline.
Comment: This variant is not present in population databases (ExAC no frequency). In summary, the available evidence is currently insufficient to determine the role of this variant in disease. Therefore, it has been classified as a Variant of Uncertain Significance. The observation of one or more missense substitutions at this codon (p.Arg1772Gly) in affected individuals suggests that this may be a clinically significant residue (PMID: 23553484). Algorithms developed to predict the effect of missense changes on protein structure and function are either unavailable or do not agree on the potential impact of this missense change (SIFT: "Deleterious"; PolyPhen-2: "Possibly Damaging"; Align-GVGD: "Class C0"). This variant has not been reported in the literature in individuals with RYR1-related disease. This sequence change replaces arginine with threonine at codon 1772 of the RYR1 protein (p.Arg1772Thr). The arginine residue is moderately conserved and there is a moderate physicochemical difference between arginine and threonine.

Literature cited by the submitters: PubMed 23553484 (cited by Labcorp Genetics (formerly Invitae), Labcorp).